The following is an entry in ClinVar:

ClinVar aggregate classification (germline): Uncertain significance (1 of 4 stars; one submission).

Conditions:
Dilated cardiomyopathy 1D. Identifiers: Orphanet 154, Orphanet 54260, MedGen C1832243, MONDO:0011095, OMIM 601494.
Hypertrophic cardiomyopathy 2. Also called: TNNT2-Related Familial Hypertrophic Cardiomyopathy. Identifiers: MedGen C1861864, MONDO:0007266, OMIM 115195.
Cardiomyopathy, familial restrictive, 3. Identifiers: Orphanet 75249, MedGen C2676271, MONDO:0012900, OMIM 612422.

Submission:

Labcorp Genetics (formerly Invitae), Labcorp
Classification: Uncertain significance for Cardiomyopathy, familial restrictive, 3; Hypertrophic cardiomyopathy 2; Dilated cardiomyopathy 1D. Last evaluated: 2026-01-12. Review status: criteria provided, single submitter. Criteria: Invitae Variant Classification Sherloc (09022015). Collection method: clinical testing. Allele origin: germline.
Comment: This sequence change creates a premature translational stop signal (p.Gln193Argfs*32) in the TNNT2 gene. It is expected to result in an absent or disrupted protein product. However, the current clinical and genetic evidence is not sufficient to establish whether loss-of-function variants in TNNT2 cause disease. This variant is not present in population databases (gnomAD no frequency). This variant has not been reported in the literature in individuals affected with TNNT2-related conditions. In summary, the available evidence is currently insufficient to determine the role of this variant in disease. Therefore, it has been classified as a Variant of Uncertain Significance.

NM_001276345.2(TNNT2):c.607del (p.Gln203fs)

Gene: TNNT2 (troponin T2, cardiac type; minus strand). Cytogenetic location: 1q32.1.
Variant type: Deletion.
Coding change: c.607del on transcript NM_001276345.2 (MANE Select); coding-DNA position 607, one base deleted (C; older notation c.607delC).
Protein change: p.Gln203fs; shifts the reading frame from glutamine 203.
Molecular consequence: frameshift variant. On other transcripts: intron variant (6).
Genome position (GRCh38, 1-based): chr1:201,362,388, G deleted on the plus strand (C on the coding strand, the reverse complement: TNNT2 is on the minus strand); the first of 3 consecutive G bases (chr1:201,362,388-201,362,390); deleting any one gives the same sequence. VCF-style (leftmost placement, unchanged base first): chr1-201362387-TG-T. GRCh37 (hg19) VCF-style: chr1-201331515-TG-T.
Other names: c.577del, p.Gln193fs (NM_001001430.3, NM_001276347.2, NM_001406724.1); c.559del, p.Gln187fs (NM_001001432.3); c.574del, p.Gln192fs (NM_001406725.1); c.562del, p.Gln188fs (NM_001406728.1); c.571-366del (NM_001406727.1, NM_001001431.3, NM_001406726.1); c.481-366del (NM_001276346.2); c.601-366del (NM_000364.4, NM_001406723.1); short protein forms Q192fs, Q203fs, Q193fs, Q187fs, Q188fs.
Identifiers: ClinVar variation 4786356 (VCV004786356.1).